The following is an entry in ClinVar:

ClinVar aggregate classification (germline): Uncertain significance. Review status: criteria provided, multiple submitters, no conflicts (2 of 4 stars). 2 submissions from 2 submitters: Uncertain significance (2). Last evaluated 2022-07-08.

Conditions:
Hereditary cancer-predisposing syndrome. Also called: Neoplastic Syndromes, Hereditary; Tumor predisposition; Hereditary Cancer Syndrome; Hereditary neoplastic syndrome. Identifiers: Orphanet 140162, MedGen C0027672, MeSH D009386, MONDO:0015356.

Allele frequency attached by ClinVar (database versions not stated): gnomAD exomes below 0.00001.
gnomAD v4.1: 2 of 1,614,052 alleles (0.00012%); highest among the groups gnomAD compares: Non-Finnish European, 0.00017%; no homozygotes.

Submissions (2):

Labcorp Genetics (formerly Invitae), Labcorp
Classification: Uncertain significance for Hereditary cancer-predisposing syndrome. Last evaluated: 2022-07-08. Review status: criteria provided, single submitter. Criteria: Invitae Variant Classification Sherloc (09022015). Collection method: clinical testing. Allele origin: germline.
Comment: ClinVar contains an entry for this variant (Variation ID: 187497). In summary, the available evidence is currently insufficient to determine the role of this variant in disease. Therefore, it has been classified as a Variant of Uncertain Significance. Algorithms developed to predict the effect of missense changes on protein structure and function are either unavailable or do not agree on the potential impact of this missense change (SIFT: "Tolerated"; PolyPhen-2: "Possibly Damaging"; Align-GVGD: "Class C0"). This variant has not been reported in the literature in individuals affected with RAD50-related conditions. This variant is not present in population databases (gnomAD no frequency). This sequence change replaces glutamic acid, which is acidic and polar, with aspartic acid, which is acidic and polar, at codon 1115 of the RAD50 protein (p.Glu1115Asp).

Ambry Genetics
Classification: Uncertain significance for Hereditary cancer-predisposing syndrome. Last evaluated: 2014-12-23. Review status: criteria provided, single submitter. Criteria: Ambry Variant Classification Scheme 2023. Collection method: clinical testing. Allele origin: germline.
Comment: The p.E1115D variant (also known as c.3345A>C), located in coding exon 21 of the RAD50 gene, results from an A to C substitution at nucleotide position 3345. The glutamic acid at codon 1115 is replaced by aspartic acid, an amino acid with highly similar properties. This variant was not reported in population based cohorts in the following databases: Database of Single Nucleotide Polymorphisms (dbSNP), NHLBI Exome Sequencing Project (ESP), and 1000 Genomes Project. In the ESP, this variant was not observed in 6502 samples (13004 alleles) with coverage at this position. To date, this alteration has been detected with an allele frequency of approximately 0.003% (greater than 40000 alleles tested) in our clinical cohort. This amino acid position is highly conserved in available vertebrate species. In addition, the in silico prediction for this alteration is inconclusive. Since supporting evidence is limited at this time, the clinical significance of p.E1115D remains unclear.

NM_005732.4(RAD50):c.3345A>C (p.Glu1115Asp)

Gene: RAD50 (RAD50 double strand break repair protein; plus strand). Cytogenetic location: 5q31.1.
Variant type: single nucleotide variant.
Coding change: c.3345A>C on transcript NM_005732.4 (MANE Select); coding-DNA position 3345, A replaced by C.
Protein change: p.Glu1115Asp; replaces glutamic acid 1115 with aspartic acid.
Molecular consequence: missense variant.
Genome position (GRCh38, 1-based): chr5:132,618,250, A>C. VCF-style: chr5-132618250-A-C. GRCh37 (hg19) VCF-style: chr5-131953942-A-C.
Other names: short protein forms E1115D.
Identifiers: ClinVar variation 187497 (VCV000187497.10), dbSNP rs786203779, ClinGen allele CA197794.